The following is an entry in ClinVar:

NM_006245.4(PPP2R5D):c.1469C>T (p.Ala490Val)

Gene: PPP2R5D (protein phosphatase 2 regulatory subunit B'delta; plus strand). Cytogenetic location: 6p21.1.
Variant type: single nucleotide variant.
Coding change: c.1469C>T on transcript NM_006245.4 (MANE Select); coding-DNA position 1469, C replaced by T.
Protein change: p.Ala490Val; replaces alanine 490 with valine.
Molecular consequence: missense variant.
Genome position (GRCh38, 1-based): chr6:43,010,557, C>T. VCF-style: chr6-43010557-C-T. GRCh37 (hg19) VCF-style: chr6-42978295-C-T.
Other names: c.1016C>T, p.Ala339Val (NM_001270476.2); c.1373C>T, p.Ala458Val (NM_180976.3); c.1151C>T, p.Ala384Val (NM_180977.3); short protein forms A339V, A384V, A458V, A490V.
Identifiers: ClinVar variation 1878530 (VCV001878530.1), dbSNP rs2532490000, ClinGen allele CA364142047.

ClinVar aggregate classification (germline): Uncertain significance (1 of 4 stars; one submission).

Conditions:
Houge-Janssens syndrome 1. Also called: PPP2R5D-Related Neurodevelopmental Disorder; Intellectual disability-macrocephaly-hypotonia-behavioral abnormalities syndrome; INTELLECTUAL DEVELOPMENTAL DISORDER, AUTOSOMAL DOMINANT 35; Hogue-Janssens syndrome 1. Identifiers: Orphanet 457279, MedGen C5779996, MONDO:0014602, OMIM 616355.

Allele frequency attached by ClinVar (database versions not stated): gnomAD exomes below 0.00001.

Submission:

Neuberg Centre For Genomic Medicine, NCGM
Classification: Uncertain significance for Houge-Janssens syndrome 1. Review status: criteria provided, single submitter. Criteria: ACMG Guidelines, 2015. Collection method: clinical testing. Allele origin: germline. Affected: yes.
Comment: The missense variant p.A490V in PPP2R5D (NM_006245.3) has not been reported previously as a pathogenic variant nor as a benign variant, to our knowledge. The p.A490V variant is novel (not in any individuals) in gnomAD Exomes and is novel (not in any individuals) in 1000 Genomes. There is a small physicochemical difference between alanine and valine, which is not likely to impact secondary protein structure as these residues share similar properties. The p.A490V missense variant is predicted to be damaging by both SIFT and PolyPhen2. The alanine residue at codon 490 of PPP2R5D is conserved in all mammalian species. The nucleotide c.1469 in PPP2R5D is predicted conserved by GERP++ and PhyloP across 100 vertebrates. For these reasons, this variant has been classified as Uncertain Significance.